The following is an entry in ClinVar:

NM_152296.5(ATP1A3):c.2840G>A (p.Gly947Glu)

Gene: ATP1A3 (ATPase Na+/K+ transporting subunit alpha 3; minus strand). Cytogenetic location: 19q13.2.
Variant type: single nucleotide variant.
Coding change: c.2840G>A on transcript NM_152296.5 (MANE Select); coding-DNA position 2840, G replaced by A.
Protein change: p.Gly947Glu; replaces glycine 947 with glutamic acid.
Molecular consequence: missense variant.
Genome position (GRCh38, 1-based): chr19:41,967,743, C>T on the plus strand (G>A on the coding strand, the complement: ATP1A3 is on the minus strand). VCF-style: chr19-41967743-C-T. GRCh37 (hg19) VCF-style: chr19-42471895-C-T.
Other names: c.2873G>A, p.Gly958Glu (NM_001256213.2); c.2879G>A, p.Gly960Glu (NM_001256214.2); short protein forms G947E, G960E, G958E.
Identifiers: ClinVar variation 280178 (VCV000280178.4), dbSNP rs886041431, ClinGen allele CA10603453.

ClinVar aggregate classification (germline): Pathogenic/Likely pathogenic. Review status: criteria provided, multiple submitters, no conflicts (2 of 4 stars). 3 submissions from 3 submitters: Pathogenic (2); Likely pathogenic (1). Last evaluated 2021-10-02.

Conditions:
ATP1A3-related disorder. Also called: ATP1A3-related condition; ATP1A3-related disorders. Identifiers: MedGen CN381097.
Alternating hemiplegia of childhood 2 (AHC2). Also called: Alternating Hemiplegia of Childhood (AHC). Identifiers: Orphanet 2131, MedGen C3553788, MONDO:0013900, OMIM 614820.

Submissions (3):

3billion
Classification: Pathogenic for Alternating hemiplegia of childhood 2. Last evaluated: 2021-10-02. Review status: criteria provided, single submitter. Criteria: ACMG Guidelines, 2015. Collection method: clinical testing. Allele origin: unknown. Affected: yes. Observed: 1 heterozygote.
Comment: Same nucleotide change resulting in same amino acid change has been previously reported as pathogenic/likely pathogenic with strong evidence (ClinVar ID: VCV000280178.2, PS1). It is not observed in the gnomAD v2.1.1 dataset (PM2). A different missense change at the same codon (p.Gly947Arg) has been reported as pathogenic (ClinVar ID: VCV000037110.5 PM5).Missense changes are a common disease-causing mechanism (PP2). In silico tool predictions suggest damaging effect of the variant on gene or gene product (REVEL: 0.864, 3Cnet: 0.734, PP3). Therefore, this variant is classified as pathogenic according to the recommendation of ACMG/AMP guideline.

Blueprint Genetics
Classification: Likely pathogenic for ATP1A3-related disorders. Last evaluated: 2020-08-31. Review status: criteria provided, single submitter. Criteria: ACMG Guidelines, 2015. Collection method: clinical testing. Allele origin: germline. Affected: yes. Observed: 1 variant allele.

GeneDx
Classification: Pathogenic. Last evaluated: 2015-12-11. Review status: criteria provided, single submitter. Criteria: GeneDx Variant Classification (06012015). Collection method: clinical testing. Allele origin: germline. Affected: yes.
Comment: The G947E variant in the ATP1A3 gene has not been reported previously as a pathogenic variant nor as a benign variant, to our knowledge. The G947E variant was not observed in approximately 6500 individuals of European and African American ancestry in the NHLBI Exome Sequencing Project, indicating it is not a common benign variant in these populations. The G947E variant is a non-conservative amino acid substitution, which occurs at a position in the helical transmembrane domain that is conserved across species. In silico analysis predicts this variant is probably damaging to the protein structure/function. A missense variant in the same residue (G947R) has been reported in association with alternating hemiplegia of childhood and described as occurring at a frequently mutated site due to hypermethylated CpG-dinucleotide sequences (Heinzen et al., 2012), supporting the functional importance of this residue. We interpret G947E as a pathogenic variant.